The following is an entry in ClinVar:

ClinVar aggregate classification (germline): Uncertain significance (1 of 4 stars; one submission).

Conditions:
Inosine triphosphatase deficiency. Also called: INOSINE TRIPHOSPHATE PYROPHOSPHOHYDROLASE DEFICIENCY. Identifiers: MedGen C0342800, MONDO:0013461, OMIM 613850.

Allele frequency attached by ClinVar (database versions not stated): gnomAD 0.00002; TOPMed 0.00003.
gnomAD v4.1: 7 of 1,613,656 alleles (0.00043%); highest among the groups gnomAD compares: African/African-American, 0.0067%; no homozygotes.

Submission:

Labcorp Genetics (formerly Invitae), Labcorp
Classification: Uncertain significance for Inosine triphosphatase deficiency. Last evaluated: 2022-07-06. Review status: criteria provided, single submitter. Criteria: Invitae Variant Classification Sherloc (09022015). Collection method: clinical testing. Allele origin: germline.
Comment: In summary, the available evidence is currently insufficient to determine the role of this variant in disease. Therefore, it has been classified as a Variant of Uncertain Significance. Algorithms developed to predict the effect of sequence changes on RNA splicing suggest that this variant may disrupt the consensus splice site. This variant has not been reported in the literature in individuals affected with ITPA-related conditions. This variant is present in population databases (no rsID available, gnomAD 0.02%). This sequence change falls in intron 1 of the ITPA gene. It does not directly change the encoded amino acid sequence of the ITPA protein.

NM_033453.4(ITPA):c.66+8G>T

Gene: ITPA (inosine triphosphatase; plus strand). Cytogenetic location: 20p13.
Variant type: single nucleotide variant.
Coding change: c.66+8G>T on transcript NM_033453.4 (MANE Select); 8 bases into the intron after coding-DNA position 66, G replaced by T.
Molecular consequence: intron variant.
Genome position (GRCh38, 1-based): chr20:3,209,625, G>T. VCF-style: chr20-3209625-G-T. GRCh37 (hg19) VCF-style: chr20-3190271-G-T.
Other names: c.-272+592G>T (NM_001324237.2); c.-275+592G>T (NM_001324238.2); c.66+8G>T (NM_001324240.2, NM_001267623.2); c.-275+8G>T (NM_001324236.2); c.15+59G>T (NM_181493.4); c.-275+90G>T (NM_001351739.2).
Identifiers: ClinVar variation 2192969 (VCV002192969.2), dbSNP rs989558409, ClinGen allele CA310965029.